The following is an entry in ClinVar:

ClinVar aggregate classification (germline): Uncertain significance (1 of 4 stars; one submission).

Conditions:
Intellectual developmental disorder, autosomal dominant 1. Also called: Intellectual disability, autosomal dominant 1; MBD5 Haploinsufficiency. Identifiers: Orphanet 228402, MedGen C1969562, MONDO:0007974, OMIM 156200.

Allele frequency attached by ClinVar (database versions not stated): gnomAD exomes below 0.00001; TOPMed below 0.00001.
gnomAD v4.1: 1 of 1,613,870 alleles (0.000062%); highest among the groups gnomAD compares: Admixed American, 0.0017%; no homozygotes.

Submission:

Labcorp Genetics (formerly Invitae), Labcorp
Classification: Uncertain significance for Intellectual developmental disorder, autosomal dominant 1. Last evaluated: 2024-01-22. Review status: criteria provided, single submitter. Criteria: Invitae Variant Classification Sherloc (09022015). Collection method: clinical testing. Allele origin: germline.
Comment: This sequence change replaces serine, which is neutral and polar, with alanine, which is neutral and non-polar, at codon 236 of the MBD5 protein (p.Ser236Ala). This variant is not present in population databases (gnomAD no frequency). This variant has not been reported in the literature in individuals affected with MBD5-related conditions. ClinVar contains an entry for this variant (Variation ID: 1369743). Advanced modeling of protein sequence and biophysical properties (such as structural, functional, and spatial information, amino acid conservation, physicochemical variation, residue mobility, and thermodynamic stability) performed at Invitae indicates that this missense variant is not expected to disrupt MBD5 protein function with a negative predictive value of 80%. In summary, the available evidence is currently insufficient to determine the role of this variant in disease. Therefore, it has been classified as a Variant of Uncertain Significance.

NM_001378120.1(MBD5):c.706T>G (p.Ser236Ala)

Gene: MBD5 (methyl-CpG binding domain protein 5; plus strand). Cytogenetic location: 2q23.1.
Variant type: single nucleotide variant.
Coding change: c.706T>G on transcript NM_001378120.1 (MANE Select); coding-DNA position 706, T replaced by G.
Protein change: p.Ser236Ala; replaces serine 236 with alanine.
Molecular consequence: missense variant.
Genome position (GRCh38, 1-based): chr2:148,468,649, T>G. VCF-style: chr2-148468649-T-G. GRCh37 (hg19) VCF-style: chr2-149226218-T-G.
Other names: c.706T>G, p.Ser236Ala (NM_018328.5); short protein forms S236A.
Identifiers: ClinVar variation 1369743 (VCV001369743.8), dbSNP rs1680674275, ClinGen allele CA348717512.